The following is an entry in ClinVar:

ClinVar aggregate classification (germline): Uncertain significance (1 of 4 stars; one submission).

Conditions:
Perlman syndrome (PRLMNS). Identifiers: Orphanet 2849, MedGen C0796113, MONDO:0009965, OMIM 267000.

Submission:

Labcorp Genetics (formerly Invitae), Labcorp
Classification: Uncertain significance for Perlman syndrome. Last evaluated: 2022-11-15. Review status: criteria provided, single submitter. Criteria: Invitae Variant Classification Sherloc (09022015). Collection method: clinical testing. Allele origin: germline.
Comment: This variant has not been reported in the literature in individuals affected with DIS3L2-related conditions. ClinVar contains an entry for this variant (Variation ID: 1043403). Advanced modeling of protein sequence and biophysical properties (such as structural, functional, and spatial information, amino acid conservation, physicochemical variation, residue mobility, and thermodynamic stability) performed at Invitae indicates that this missense variant is not expected to disrupt DIS3L2 protein function. In summary, the available evidence is currently insufficient to determine the role of this variant in disease. Therefore, it has been classified as a Variant of Uncertain Significance. This variant is not present in population databases (gnomAD no frequency). This sequence change replaces histidine, which is basic and polar, with proline, which is neutral and non-polar, at codon 526 of the DIS3L2 protein (p.His526Pro).

NM_152383.5(DIS3L2):c.1577A>C (p.His526Pro)

Gene: DIS3L2 (DIS3 like 3'-5' exoribonuclease 2; plus strand). Cytogenetic location: 2q37.1.
Variant type: single nucleotide variant.
Coding change: c.1577A>C on transcript NM_152383.5 (MANE Select); coding-DNA position 1577, A replaced by C.
Protein change: p.His526Pro; replaces histidine 526 with proline.
Molecular consequence: missense variant. On other transcripts: non-coding transcript variant (2).
Genome position (GRCh38, 1-based): chr2:232,263,358, A>C. VCF-style: chr2-232263358-A-C. GRCh37 (hg19) VCF-style: chr2-233128068-A-C.
Other names: c.1577A>C, p.His526Pro (NM_001257281.2); short protein forms H526P.
Identifiers: ClinVar variation 1043403 (VCV001043403.8), dbSNP rs749646487, ClinGen allele CA350975563.